The following is an entry in ClinVar:

NM_002063.4(GLRA2):c.1186C>A (p.Pro396Thr)

Genes: FANCB (FA complementation group B; minus strand), GLRA2 (glycine receptor alpha 2; plus strand). Cytogenetic location: Xp22.2.
Variant type: single nucleotide variant.
Coding change: c.1186C>A on transcript NM_002063.4 (MANE Select); coding-DNA position 1186, C replaced by A.
Protein change: p.Pro396Thr; replaces proline 396 with threonine.
Molecular consequence: missense variant.
Genome position (GRCh38, 1-based): chrX:14,730,312, C>A. VCF-style: chrX-14730312-C-A. GRCh37 (hg19) VCF-style: chrX-14748434-C-A.
Other names: c.1186C>A, p.Pro396Thr (NM_001118885.2, NM_001118886.2); c.919C>A, p.Pro307Thr (NM_001171942.2); short protein forms P307T, P396T.
Identifiers: ClinVar variation 1334406 (VCV001334406.4), dbSNP rs368138282, ClinGen allele CA10352865.

ClinVar aggregate classification (germline): Conflicting classifications of pathogenicity. Review status: criteria provided, conflicting classifications (1 of 4 stars). 3 submissions from 3 submitters: Likely pathogenic (1); Uncertain significance (1). 1 of the submissions does not count toward it. Last evaluated 2024-08-23.

Conditions:
Intellectual developmental disorder, X-linked, syndromic, Pilorge type. Identifiers: MedGen C5676881, MONDO:0024772, OMIM 301076.

Allele frequency attached by ClinVar (database versions not stated): gnomAD 0.00005 and 0.00002; TOPMed 0.00005; ExAC 0.00002; gnomAD exomes 0.00002; ESP Exome Variant Server 0.00009.
gnomAD v4.1: 29 of 1,208,233 alleles (0.0024%); highest among the groups gnomAD compares: Middle Eastern, 0.14%; no homozygotes.

Submissions (3):

Revvity Omics, Revvity
Classification: Uncertain significance for Intellectual developmental disorder, X-linked, syndromic, Pilorge type. Last evaluated: 2024-08-23. Review status: criteria provided, single submitter. Criteria: ACMG Guidelines, 2015. Collection method: clinical testing. Allele origin: germline.

Laboratory of Medical Genetics, University of Torino
Classification: Likely pathogenic for Intellectual developmental disorder, X-linked, syndromic, Pilorge type. Last evaluated: 2022-11-29. Review status: criteria provided, single submitter. Criteria: ACMG Guidelines, 2015. Collection method: research. Allele origin: germline. Affected: yes. Study: NeuroWES.

Wangler Lab, Baylor College of Medicine
Classification: Uncertain significance. Last evaluated: 2022-01-10. Review status: no assertion criteria provided. Collection method: research. Allele origin: maternal. Affected: yes. Observed: 1 hemizygote. Not counted in ClinVar's aggregate classification.
Comment: Marcogliese et al., (2022) have identified 13 unrelated subjects with a variable neurodevelopmental disorder with or without autistic features. This variant (c.1186C>A) results in p.Pro396Thr and has a low allele frequency in GnomAD at this highly conserved position (PM2). Computational models predict this change to be benign (PP3). We classify this variant to be of uncertain significance based on our cohort of affected individuals with similar phenotypes.